The following is an entry in ClinVar:

ClinVar aggregate classification (germline): Uncertain significance (1 of 4 stars; one submission).

Conditions:
Combined immunodeficiency due to OX40 deficiency. Also called: Immunodeficiency 16; OX40 DEFICIENCY. Identifiers: Orphanet 431149, MedGen C3810053, MONDO:0014268, OMIM 615593.

gnomAD v4.1: 30 of 1,585,268 alleles (0.0019%); highest among the groups gnomAD compares: South Asian, 0.022%; no homozygotes.

Submission:

Labcorp Genetics (formerly Invitae), Labcorp
Classification: Uncertain significance for Combined immunodeficiency due to OX40 deficiency. Last evaluated: 2025-11-10. Review status: criteria provided, single submitter. Criteria: Invitae Variant Classification Sherloc (09022015). Collection method: clinical testing. Allele origin: germline.
Comment: This sequence change replaces arginine, which is basic and polar, with histidine, which is basic and polar, at codon 10 of the TNFRSF4 protein (p.Arg10His). The frequency data for this variant in the population databases is considered unreliable, as metrics indicate poor data quality at this position in the gnomAD database. This variant has not been reported in the literature in individuals affected with TNFRSF4-related conditions. ClinVar contains an entry for this variant (Variation ID: 3631300). Experimental studies and prediction algorithms are not available or were not evaluated, and the functional significance of this variant is currently unknown. In summary, the available evidence is currently insufficient to determine the role of this variant in disease. Therefore, it has been classified as a Variant of Uncertain Significance.

NM_003327.4(TNFRSF4):c.29G>A (p.Arg10His)

Gene: TNFRSF4 (TNF receptor superfamily member 4; minus strand). Cytogenetic location: 1p36.33.
Variant type: single nucleotide variant.
Coding change: c.29G>A on transcript NM_003327.4 (MANE Select); coding-DNA position 29, G replaced by A.
Protein change: p.Arg10His; replaces arginine 10 with histidine.
Molecular consequence: missense variant.
Genome position (GRCh38, 1-based): chr1:1,214,099, C>T on the plus strand (G>A on the coding strand, the complement: TNFRSF4 is on the minus strand). VCF-style: chr1-1214099-C-T. GRCh37 (hg19) VCF-style: chr1-1149479-C-T.
Other names: c.29G>A, p.Arg10His (NM_001410709.1); short protein forms R10H.
Identifiers: ClinVar variation 3631300 (VCV003631300.2).